The following is an entry in ClinVar:

NM_000038.6(APC):c.532-1963G>C

Gene: APC (APC regulator of WNT signaling pathway; plus strand). Cytogenetic location: 5q22.2.
Variant type: single nucleotide variant.
Coding change: c.532-1963G>C on transcript NM_000038.6 (MANE Select); 1963 bases into the intron before coding-DNA position 532, G replaced by C.
Molecular consequence: intron variant.
Genome position (GRCh38, 1-based): chr5:112,778,827, G>C. VCF-style: chr5-112778827-G-C. GRCh37 (hg19) VCF-style: chr5-112114524-G-C.
Other names: c.532-1963G>C (NM_001354895.2, NM_001127510.3, NM_001354896.2 and 2 more transcripts); c.562-1963G>C (NM_001354897.2, NM_001354902.2, NM_001127511.3); c.457-1963G>C (NM_001354898.2, NM_001354904.2); c.-504-1963G>C (NM_001354906.2); c.355-1963G>C (NM_001354900.2, NM_001354901.2, NM_001354905.2).
Identifiers: ClinVar variation 82433 (VCV000082433.2), dbSNP rs76314893, ClinGen allele CA010237.

ClinVar aggregate classification (germline): other (0 of 4 stars; one submission).

Conditions:
Familial colorectal cancer. Identifiers: MedGen CN280943, MONDO:0023113. Disease mechanism: loss of function.

Submission:

Systems Biology Platform Zhejiang California International NanoSystems Institute
Classification: other for Familial colorectal cancer. Review status: no assertion criteria provided. Collection method: not provided. Allele origin: unknown.
ClinVar note: Converted during submission from cancer to other.